The following is an entry in ClinVar:

ClinVar aggregate classification (germline): Pathogenic (1 of 4 stars; one submission).

Conditions:
Atransferrinemia. Also called: Familial hypotransferrinemia. Identifiers: Orphanet 1195, MedGen C0521802, MONDO:0008846, OMIM 209300, HP:0012239.

Submission:

Myriad Genetics, Inc.
Classification: Pathogenic for Atransferrinemia. Last evaluated: 2025-10-03. Review status: criteria provided, single submitter. Criteria: Myriad Autosomal Dominant, Autosomal Recessive and X-Linked Classification Criteria (2023). Collection method: clinical testing. Allele origin: unknown.
Comment: NM_001063.3(TF):c.615delC(F205Lfs*10) is expected to be pathogenic in the context of atransferrinemia. This variant is predicted to lead to an abnormal or absent protein product due to the creation of a premature termination codon in TF, a gene where loss-of-function variants are known to be pathogenic. Please note: this variant was assessed in the context of healthy population screening.

NM_001063.4(TF):c.615del (p.Phe205fs)

Gene: TF (transferrin; plus strand). Cytogenetic location: 3q22.1.
Variant type: Deletion.
Coding change: c.615del on transcript NM_001063.4 (MANE Select); coding-DNA position 615, one base deleted (C; older notation c.615delC).
Protein change: p.Phe205fs; shifts the reading frame from phenylalanine 205.
Molecular consequence: frameshift variant.
Genome position (GRCh38, 1-based): chr3:133,755,475, C deleted. VCF-style (leftmost placement, unchanged base first): chr3-133755474-TC-T. GRCh37 (hg19) VCF-style: chr3-133474318-TC-T.
Other names: c.483del, p.Phe161fs (NM_001354703.2); c.234del, p.Phe78fs (NM_001354704.2); short protein forms F161fs, F205fs, F78fs.
Identifiers: ClinVar variation 5015044 (VCV005015044.1).